The following is an entry in ClinVar:

NM_031372.4(HNRNPDL):c.124_125delinsTC (p.Leu42Ser)

Gene: HNRNPDL (heterogeneous nuclear ribonucleoprotein D like; minus strand). Cytogenetic location: 4q21.22.
Variant type: Indel.
Coding change: c.124_125delinsTC on transcript NM_031372.4 (MANE Select); coding-DNA positions 124 to 125, CT replaced by TC.
Protein change: p.Leu42Ser; replaces leucine 42 with serine.
Molecular consequence: missense variant. On other transcripts: non-coding transcript variant (1).
Genome position (GRCh38, 1-based): chr4:82,429,566-82,429,567, AG replaced by GA on the plus strand (CT replaced by TC on the coding strand, the reverse complement: HNRNPDL is on the minus strand). VCF-style: chr4-82429566-AG-GA. GRCh37 (hg19) VCF-style: chr4-83350719-AG-GA.
Other names: c.124_125delinsTC, p.Leu42Ser (NM_001207000.1); c.124_125delCTinsTC (NM_031372.3); short protein forms L42S.
Identifiers: ClinVar variation 464382 (VCV000464382.20), dbSNP rs1553901266, ClinGen allele CA658657389.

ClinVar aggregate classification (germline): Conflicting classifications of pathogenicity. Review status: criteria provided, conflicting classifications (1 of 4 stars). 2 submissions from 2 submitters: Uncertain significance (1); Likely benign (1). Last evaluated 2026-01-27.

Conditions:
Autosomal dominant limb-girdle muscular dystrophy type 1G (LGMDD3). Also called: Limb-girdle muscular dystrophy, type 1G; MUSCULAR DYSTROPHY, LIMB-GIRDLE, AUTOSOMAL DOMINANT 3. Identifiers: Orphanet 55596, MedGen C1836765, MONDO:0012193, OMIM 609115.

Submissions (2):

Labcorp Genetics (formerly Invitae), Labcorp
Classification: Likely benign for Autosomal dominant limb-girdle muscular dystrophy type 1G. Last evaluated: 2026-01-27. Review status: criteria provided, single submitter. Criteria: Invitae Variant Classification Sherloc (09022015). Collection method: clinical testing. Allele origin: germline.

Mayo Clinic Laboratories, Mayo Clinic
Classification: Uncertain significance. Last evaluated: 2022-09-14. Review status: criteria provided, single submitter. Criteria: ACMG Guidelines, 2015. Collection method: clinical testing. Allele origin: germline. Observed: 4 variant alleles.
Comment: PM2